The following is an entry in ClinVar:

ClinVar aggregate classification (germline): Pathogenic (1 of 4 stars; one submission).

Conditions:
Lipoic acid synthetase deficiency. Also called: HYPERGLYCINEMIA, LACTIC ACIDOSIS, AND SEIZURES. Identifiers: Orphanet 401859, MedGen C3280887, MONDO:0013762, OMIM 614462.

Submission:

Labcorp Genetics (formerly Invitae), Labcorp
Classification: Pathogenic for Lipoic acid synthetase deficiency. Last evaluated: 2024-09-30. Review status: criteria provided, single submitter. Criteria: Invitae Variant Classification Sherloc (09022015). Collection method: clinical testing. Allele origin: germline.
Comment: This sequence change creates a premature translational stop signal (p.Gly71Glufs*4) in the LIAS gene. It is expected to result in an absent or disrupted protein product. Loss-of-function variants in LIAS are known to be pathogenic (PMID: 24334290, 27923773). This variant is not present in population databases (gnomAD no frequency). This variant has not been reported in the literature in individuals affected with LIAS-related conditions. ClinVar contains an entry for this variant (Variation ID: 940068). For these reasons, this variant has been classified as Pathogenic.

Literature cited by the submitters: PubMed 24334290; PubMed 27923773.

NM_006859.4(LIAS):c.212del (p.Gly71fs)

Gene: LIAS (lipoic acid synthetase; plus strand). Cytogenetic location: 4p14.
Variant type: Deletion.
Coding change: c.212del on transcript NM_006859.4 (MANE Select); coding-DNA position 212, one base deleted (G; older notation c.212delG).
Protein change: p.Gly71fs; shifts the reading frame from glycine 71.
Molecular consequence: frameshift variant.
Genome position (GRCh38, 1-based): chr4:39,460,956, G deleted; the last of 2 consecutive G bases (chr4:39,460,955-39,460,956); deleting either gives the same sequence. VCF-style (leftmost placement, unchanged base first): chr4-39460954-AG-A. GRCh37 (hg19) VCF-style: chr4-39462574-AG-A.
Other names: c.212del, p.Gly71fs (NM_001278590.2, NM_001278591.2, NM_001278592.2 and 2 more transcripts); short protein forms G71fs.
Identifiers: ClinVar variation 940068 (VCV000940068.7), dbSNP rs1417695501, ClinGen allele CA794711539.